The following is an entry in ClinVar:

ClinVar aggregate classification (germline): Uncertain significance (1 of 4 stars; one submission).

Allele frequency attached by ClinVar (database versions not stated): TOPMed below 0.00001.

Submission:

Labcorp Genetics (formerly Invitae), Labcorp
Classification: Uncertain significance. Last evaluated: 2022-03-20. Review status: criteria provided, single submitter. Criteria: Invitae Variant Classification Sherloc (09022015). Collection method: clinical testing. Allele origin: germline.
Comment: In summary, the available evidence is currently insufficient to determine the role of this variant in disease. Therefore, it has been classified as a Variant of Uncertain Significance. Algorithms developed to predict the effect of missense changes on protein structure and function are either unavailable or do not agree on the potential impact of this missense change (SIFT: "Deleterious"; PolyPhen-2: "Probably Damaging"; Align-GVGD: "Class C0"). This variant has not been reported in the literature in individuals affected with ABHD12-related conditions. This variant is not present in population databases (gnomAD no frequency). This sequence change replaces aspartic acid, which is acidic and polar, with glutamic acid, which is acidic and polar, at codon 298 of the ABHD12 protein (p.Asp298Glu).

NM_001042472.3(ABHD12):c.894C>G (p.Asp298Glu)

Gene: ABHD12 (abhydrolase domain containing 12, lysophospholipase; minus strand). Cytogenetic location: 20p11.21.
Variant type: single nucleotide variant.
Coding change: c.894C>G on transcript NM_001042472.3 (MANE Select); coding-DNA position 894, C replaced by G.
Protein change: p.Asp298Glu; replaces aspartic acid 298 with glutamic acid.
Molecular consequence: missense variant.
Genome position (GRCh38, 1-based): chr20:25,306,889, G>C on the plus strand (C>G on the coding strand, the complement: ABHD12 is on the minus strand). VCF-style: chr20-25306889-G-C. GRCh37 (hg19) VCF-style: chr20-25287525-G-C.
Other names: c.894C>G, p.Asp298Glu (NM_015600.5); short protein forms D298E.
Identifiers: ClinVar variation 2114823 (VCV002114823.4), dbSNP rs1485592990, ClinGen allele CA408455724.
Genomic context (GRCh38, chr20:25,306,889, plus strand): 5'-TCACTTTTCATCATTTGCAAATTTAATTCCACTACTTGTAATAGGATCAAGGAAGAACCA[G>C]TCAAACCCAGGGAAGTATCGATATATCTGGAGACAAGATGGAAACCATTTTCAGAAGCGT-3'
Protein context (NP_001035937.1, residues 288-308): SVIYRYFPGF[Asp298Glu]WFFLDPITSS